The following is an entry in ClinVar:

NM_000455.5(STK11):c.614_618del (p.Ala205fs)

Gene: STK11 (serine/threonine kinase 11; plus strand). Cytogenetic location: 19p13.3.
Variant type: Deletion.
Coding change: c.614_618del on transcript NM_000455.5 (MANE Select); coding-DNA positions 614 to 618, 5 bases deleted (CGGCG; older notation c.614_618delCGGCG).
Protein change: p.Ala205fs; shifts the reading frame from alanine 205.
Molecular consequence: frameshift variant.
Genome position (GRCh38, 1-based): chr19:1,220,597-1,220,601, CGGCG deleted; deleting any 5 consecutive bases within chr19:1,220,595-1,220,601 gives the same sequence; the c. name uses the placement nearest the transcript's 3' end. VCF-style (leftmost placement, unchanged base first): chr19-1220594-TCGCGG-T. GRCh37 (hg19) VCF-style: chr19-1220593-TCGCGG-T.
Other names: short protein forms A205fs.
Identifiers: ClinVar variation 959466 (VCV000959466.7), dbSNP rs2080776017, ClinGen allele CA1139666187.

ClinVar aggregate classification (germline): Pathogenic (1 of 4 stars; one submission).

Conditions:
Peutz-Jeghers syndrome (PJS). Also called: Peutz-Jeghers polyposis; Periorificial lentiginosis syndrome; POLYPOSIS, HAMARTOMATOUS INTESTINAL; POLYPS-AND-SPOTS SYNDROME. Identifiers: Orphanet 2869, MedGen C0031269, MeSH D010580, MONDO:0008280, OMIM 175200.

Submission:

Labcorp Genetics (formerly Invitae), Labcorp
Classification: Pathogenic for Peutz-Jeghers syndrome. Last evaluated: 2025-02-12. Review status: criteria provided, single submitter. Criteria: Invitae Variant Classification Sherloc (09022015). Collection method: clinical testing. Allele origin: germline.
Comment: This sequence change creates a premature translational stop signal (p.Ala205Glyfs*59) in the STK11 gene. It is expected to result in an absent or disrupted protein product. Loss-of-function variants in STK11 are known to be pathogenic (PMID: 15188174, 16287113). This variant is not present in population databases (gnomAD no frequency). This variant has not been reported in the literature in individuals affected with STK11-related conditions. ClinVar contains an entry for this variant (Variation ID: 959466). For these reasons, this variant has been classified as Pathogenic.

Literature cited by the submitters: PubMed 15188174; PubMed 16287113.